The following is an entry in ClinVar:

ClinVar aggregate classification (germline): Conflicting classifications of pathogenicity. Review status: criteria provided, conflicting classifications (1 of 4 stars). 7 submissions from 7 submitters: Uncertain significance (1); Likely benign (6). Last evaluated 2025-12-18.

Conditions:
Breast-ovarian cancer, familial, susceptibility to, 1 (BROVCA1). Also called: BRCA1 Hereditary Breast and Ovarian Cancer; OVARIAN CANCER, SUSCEPTIBILITY TO. Identifiers: Orphanet 145, MedGen C2676676, MONDO:0011450, OMIM 604370. Disease mechanism: loss of function.
Hereditary cancer-predisposing syndrome. Also called: Neoplastic Syndromes, Hereditary; Hereditary neoplastic syndrome; Hereditary Cancer Syndrome; Tumor predisposition. Identifiers: Orphanet 140162, MedGen C0027672, MeSH D009386, MONDO:0015356.
Hereditary breast ovarian cancer syndrome. Also called: Hereditary breast and ovarian cancer syndrome; Breast and ovarian cancer; Hereditary breast and ovarian cancer syndrome (HBOC); Hereditary breast and/or ovarian cancer syndrome; BRCA1- and BRCA2-Associated Hereditary Breast and Ovarian Cancer; Hereditary breast and ovarian cancer. Identifiers: Orphanet 145, MedGen C0677776, MeSH D061325, MONDO:0003582. Disease mechanism: loss of function.

Allele frequency attached by ClinVar (database versions not stated): gnomAD exomes below 0.00001.
gnomAD v4.1: 1 of 1,614,210 alleles (0.000062%); highest among the groups gnomAD compares: Non-Finnish European, 0.000085%; no homozygotes.

Submissions (7):

Labcorp Genetics (formerly Invitae), Labcorp
Classification: Likely benign for Hereditary breast ovarian cancer syndrome. Last evaluated: 2025-12-18. Review status: criteria provided, single submitter. Criteria: Invitae Variant Classification Sherloc (09022015). Collection method: clinical testing. Allele origin: germline.

Quest Diagnostics Nichols Institute San Juan Capistrano
Classification: Uncertain significance. Last evaluated: 2024-01-18. Review status: criteria provided, single submitter. Criteria: Quest Diagnostics criteria. Collection method: clinical testing. Allele origin: unknown.
Comment: The BRCA1 c.1248A>G (p.Leu416=) synonymous variant has not been reported in individuals with BRCA1-related conditions in the published literature. It also has not been reported in large, multi-ethnic general populations (Genome Aggregation Database). Analysis of this variant using software algorithms for the prediction of the effect of nucleotide changes on splicing yielded predictions that this variant does not affect BRCA1 mRNA splicing. Based on the available information, we are unable to determine the clinical significance of this variant.

All of Us Research Program, National Institutes of Health
Classification: Likely benign for Breast-ovarian cancer, familial, susceptibility to, 1. Last evaluated: 2023-08-28. Review status: criteria provided, single submitter. Criteria: ACMG Guidelines, 2015. Collection method: clinical testing. Allele origin: germline. Inheritance: Autosomal dominant inheritance. Observed: 1 variant allele, 1 heterozygote.
Comment: This study involves interpretation of variants in research participants for the purpose of population health screening. Participant phenotype was not available at the time of variant classification. Additional details can be found in publication PMID: 35346344, PMCID: PMC8962531

Color Diagnostics, LLC DBA Color Health
Classification: Likely benign for Hereditary cancer-predisposing syndrome. Last evaluated: 2022-04-06. Review status: criteria provided, single submitter. Criteria: ACMG Guidelines, 2015. Collection method: clinical testing. Allele origin: germline.

Genetic Services Laboratory, University of Chicago
Classification: Likely benign. Last evaluated: 2021-04-08. Review status: criteria provided, single submitter. Criteria: ACMG Guidelines, 2015. Collection method: clinical testing. Allele origin: germline. Affected: no.

Ambry Genetics
Classification: Likely benign for Hereditary cancer-predisposing syndrome. Last evaluated: 2016-07-22. Review status: criteria provided, single submitter. Criteria: Ambry Variant Classification Scheme 2023. Collection method: clinical testing. Allele origin: germline.

GeneDx
Classification: Likely benign. Last evaluated: 2016-04-29. Review status: criteria provided, single submitter. Criteria: GeneDx Variant Classification (06012015). Collection method: clinical testing. Allele origin: germline. Affected: yes.
Comment: This variant is considered likely benign or benign based on one or more of the following criteria: it is a conservative change, it occurs at a poorly conserved position in the protein, it is predicted to be benign by multiple in silico algorithms, and/or has population frequency not consistent with disease.

NM_007294.4(BRCA1):c.1248A>G (p.Leu416=)

Gene: BRCA1 (BRCA1 DNA repair associated; minus strand). Cytogenetic location: 17q21.31.
Variant type: single nucleotide variant.
Coding change: c.1248A>G on transcript NM_007294.4 (MANE Select); coding-DNA position 1248, A replaced by G.
Protein change: p.Leu416=; no amino-acid change (leucine 416 retained).
Molecular consequence: synonymous variant. On other transcripts: intron variant (137).
Genome position (GRCh38, 1-based): chr17:43,094,283, T>C on the plus strand (A>G on the coding strand, the complement: BRCA1 is on the minus strand). VCF-style: chr17-43094283-T-C. GRCh37 (hg19) VCF-style: chr17-41246300-T-C.
Other names: c.1035A>G, p.Leu345= (NM_001407571.1, NM_001407853.1, NM_001407894.1 and 9 more transcripts); c.1248A>G, p.Leu416= (NM_001407581.1, NM_001407582.1, NM_001407583.1 and 30 more transcripts); c.1245A>G, p.Leu415= (NM_001407587.1, NM_001407590.1, NM_001407591.1 and 22 more transcripts); c.1239A>G, p.Leu413= (NM_001407646.1, NM_001407647.1); c.1125A>G, p.Leu375= (NM_001407648.1, NM_001407664.1, NM_001407665.1 and 19 more transcripts); c.1122A>G, p.Leu374= (NM_001407649.1, NM_001407670.1, NM_001407671.1 and 11 more transcripts); c.1170A>G, p.Leu390= (NM_001407653.1, NM_001407654.1, NM_001407655.1 and 4 more transcripts); c.1167A>G, p.Leu389= (NM_001407659.1, NM_001407660.1, NM_001407661.1 and 1 more transcripts); and 40 more.
Identifiers: ClinVar variation 385932 (VCV000385932.22), dbSNP rs1057522369, ClinGen allele CA16607277.